The following is an entry in ClinVar:

NM_002691.4(POLD1):c.1234A>G (p.Thr412Ala)

Gene: POLD1 (DNA polymerase delta 1, catalytic subunit; plus strand). Cytogenetic location: 19q13.33.
Variant type: single nucleotide variant.
Coding change: c.1234A>G on transcript NM_002691.4 (MANE Select); coding-DNA position 1234, A replaced by G.
Protein change: p.Thr412Ala; replaces threonine 412 with alanine.
Molecular consequence: missense variant. On other transcripts: non-coding transcript variant (1).
Genome position (GRCh38, 1-based): chr19:50,403,589, A>G. VCF-style: chr19-50403589-A-G. GRCh37 (hg19) VCF-style: chr19-50906846-A-G.
Other names: c.1234A>G, p.Thr412Ala (NM_001256849.1, NM_001308632.1); short protein forms T412A.
Identifiers: ClinVar variation 408086 (VCV000408086.15), dbSNP rs1038164521, ClinGen allele CA16616131.

ClinVar aggregate classification (germline): Conflicting classifications of pathogenicity. Review status: criteria provided, conflicting classifications (1 of 4 stars). 4 submissions from 4 submitters: Uncertain significance (3); Likely benign (1). Last evaluated 2025-10-31.

Conditions:
POLD1-related polyposis and colorectal cancer syndrome (CRCS10). Also called: Colorectal cancer, susceptibility to, 10; Colorectal cancer 10; COLORECTAL CANCER, SUSCEPTIBILITY TO, ON CHROMOSOME 19q. Identifiers: Orphanet 220460, MedGen C2675481, MONDO:0012953, OMIM 612591.
Hereditary cancer-predisposing syndrome. Also called: Neoplastic Syndromes, Hereditary; Hereditary neoplastic syndrome; Hereditary Cancer Syndrome; Tumor predisposition. Identifiers: Orphanet 140162, MedGen C0027672, MeSH D009386, MONDO:0015356.

Allele frequency attached by ClinVar (database versions not stated): gnomAD exomes below 0.00001; TOPMed 0.00001.
gnomAD v4.1: 2 of 1,605,834 alleles (0.00012%); highest among the groups gnomAD compares: Admixed American, 0.0033%; no homozygotes.

Submissions (4):

Labcorp Genetics (formerly Invitae), Labcorp
Classification: Uncertain significance for POLD1-related polyposis and colorectal cancer syndrome. Last evaluated: 2025-10-31. Review status: criteria provided, single submitter. Criteria: Invitae Variant Classification Sherloc (09022015). Collection method: clinical testing. Allele origin: germline.
Comment: This sequence change replaces threonine, which is neutral and polar, with alanine, which is neutral and non-polar, at codon 412 of the POLD1 protein (p.Thr412Ala). This variant is present in population databases (no rsID available, gnomAD 0.003%). This variant has not been reported in the literature in individuals affected with POLD1-related conditions. ClinVar contains an entry for this variant (Variation ID: 408086). Invitae Evidence Modeling of protein sequence and biophysical properties (such as structural, functional, and spatial information, amino acid conservation, physicochemical variation, residue mobility, and thermodynamic stability) indicates that this missense variant is not expected to disrupt POLD1 protein function with a negative predictive value of 80%. In summary, the available evidence is currently insufficient to determine the role of this variant in disease. Therefore, it has been classified as a Variant of Uncertain Significance.

Ambry Genetics
Classification: Likely benign for Hereditary cancer-predisposing syndrome. Last evaluated: 2024-03-28. Review status: criteria provided, single submitter. Criteria: Ambry Variant Classification Scheme 2023. Collection method: clinical testing. Allele origin: germline.

GeneDx
Classification: Uncertain significance. Last evaluated: 2023-07-21. Review status: criteria provided, single submitter. Criteria: GeneDx Variant Classification Process June 2021. Collection method: clinical testing. Allele origin: germline. Affected: yes.
Comment: Not observed at significant frequency in large population cohorts (gnomAD); In silico analysis supports that this missense variant does not alter protein structure/function; Has not been previously published as pathogenic or benign to our knowledge; This variant is associated with the following publications: (PMID: 20951805)

PreventionGenetics, part of Exact Sciences
Classification: Uncertain significance. Last evaluated: 2017-10-27. Review status: criteria provided, single submitter. Criteria: ACMG Guidelines, 2015. Collection method: clinical testing. Allele origin: germline.